The following is an entry in ClinVar:

NM_001035.3(RYR2):c.14129T>C (p.Leu4710Pro)

Gene: RYR2 (ryanodine receptor 2; plus strand). Cytogenetic location: 1q43.
Variant type: single nucleotide variant.
Coding change: c.14129T>C on transcript NM_001035.3 (MANE Select); coding-DNA position 14129, T replaced by C.
Protein change: p.Leu4710Pro; replaces leucine 4710 with proline.
Molecular consequence: missense variant.
Genome position (GRCh38, 1-based): chr1:237,801,894, T>C. VCF-style: chr1-237801894-T-C. GRCh37 (hg19) VCF-style: chr1-237965194-T-C.
Other names: c.14129T>C, p.Leu4710Pro (LRG_402t1); short protein forms L4710P.
Identifiers: ClinVar variation 658128 (VCV000658128.8), dbSNP rs1574013352, ClinGen allele CA345421191.
Genomic context (GRCh38, chr1:237,801,894, plus strand): 5'-TTTTTTTTTTTTGTCATTGCAGACTGAACTCCATTGATGTGAAGTATCAGATGTGGAAAC[T>C]AGGAGTCGTTTTCACTGACAACGTAAGCCTACTTCATTATCACAAAAGAAAATGCACTCT-3'
Protein context (NP_001026.2, residues 4700-4720): SIDVKYQMWK[Leu4710Pro]GVVFTDNSFL

ClinVar aggregate classification (germline): Uncertain significance. Review status: criteria provided, multiple submitters, no conflicts (2 of 4 stars). 2 submissions from 2 submitters: Uncertain significance (2). Last evaluated 2025-06-23.

Conditions:
Cardiomyopathy (CMYO). Also called: Cardiomyopathies. Identifiers: Orphanet 167848, MedGen C0878544, MONDO:0004994, HP:0001638. Inheritance: Various modes of inheritance.
Catecholaminergic polymorphic ventricular tachycardia 1. Also called: RYR2-Related Catecholaminergic Polymorphic Ventricular Tachycardia; VENTRICULAR TACHYCARDIA, CATECHOLAMINERGIC POLYMORPHIC, 1, WITH OR WITHOUT ATRIAL DYSFUNCTION AND/OR DILATED CARDIOMYOPATHY; VENTRICULAR TACHYCARDIA, STRESS-INDUCED POLYMORPHIC 1. Identifiers: Orphanet 3286, MedGen C1631597, MONDO:0011484, OMIM 604772.

Submissions (2):

Color Diagnostics, LLC DBA Color Health
Classification: Uncertain significance for Cardiomyopathy. Last evaluated: 2025-06-23. Review status: criteria provided, single submitter. Criteria: ACMG Guidelines, 2015. Collection method: clinical testing. Allele origin: germline.
Comment: This missense variant replaces leucine with proline at codon 4710 of the RYR2 protein. Computational prediction suggests that this variant may have deleterious impact on protein structure and function. To our knowledge, functional studies have not been reported for this variant. This variant has not been reported in individuals affected with RYR2-related disorders in the literature. This variant has not been identified in the general population by the Genome Aggregation Database (gnomAD). The available evidence is insufficient to determine the role of this variant in disease conclusively. Therefore, this variant is classified as a Variant of Uncertain Significance.

Labcorp Genetics (formerly Invitae), Labcorp
Classification: Uncertain significance for Catecholaminergic polymorphic ventricular tachycardia 1. Last evaluated: 2024-06-24. Review status: criteria provided, single submitter. Criteria: Invitae Variant Classification Sherloc (09022015). Collection method: clinical testing. Allele origin: germline.
Comment: This sequence change replaces leucine, which is neutral and non-polar, with proline, which is neutral and non-polar, at codon 4710 of the RYR2 protein (p.Leu4710Pro). This variant is not present in population databases (gnomAD no frequency). This variant has not been reported in the literature in individuals affected with RYR2-related conditions. ClinVar contains an entry for this variant (Variation ID: 658128). Advanced modeling of protein sequence and biophysical properties (such as structural, functional, and spatial information, amino acid conservation, physicochemical variation, residue mobility, and thermodynamic stability) has been performed at Invitae for this missense variant, however the output from this modeling did not meet the statistical confidence thresholds required to predict the impact of this variant on RYR2 protein function. In summary, the available evidence is currently insufficient to determine the role of this variant in disease. Therefore, it has been classified as a Variant of Uncertain Significance.